The following is an entry in ClinVar:

ClinVar aggregate classification (germline): Likely benign. Review status: criteria provided, multiple submitters, no conflicts (2 of 4 stars). 3 submissions from 3 submitters: Likely benign (3). Last evaluated 2025-11-12.

Conditions:
Kabuki syndrome. Also called: Kabuki make-up syndrome; NIIKAWA-KUROKI SYNDROME. Identifiers: Orphanet 2322, MedGen C0796004, MONDO:0016512.
KMT2D-related disorder. Also called: KMT2D-Related Disorders.

Allele frequency attached by ClinVar (database versions not stated): gnomAD 0.00003 and 0.00004; gnomAD exomes 0.00003; TOPMed 0.00004; ExAC 0.00005.
gnomAD v4.1: 56 of 1,613,410 alleles (0.0035%); highest among the groups gnomAD compares: Admixed American, 0.0083%; no homozygotes.

Submissions (3):

PreventionGenetics, part of Exact Sciences
Classification: Likely benign for KMT2D-related condition. Last evaluated: 2025-11-12. Review status: criteria provided, single submitter. Criteria: ACMG Guidelines, 2015. Collection method: clinical testing. Allele origin: germline.
Comment: This variant is classified as likely benign based on ACMG/AMP sequence variant interpretation guidelines (Richards et al. 2015 PMID: 25741868, with internal and published modifications).

Labcorp Genetics (formerly Invitae), Labcorp
Classification: Likely benign for Kabuki syndrome. Last evaluated: 2024-11-02. Review status: criteria provided, single submitter. Criteria: Invitae Variant Classification Sherloc (09022015). Collection method: clinical testing. Allele origin: germline.

GeneDx
Classification: Likely benign. Last evaluated: 2021-01-27. Review status: criteria provided, single submitter. Criteria: GeneDx Variant Classification Process June 2021. Collection method: clinical testing. Allele origin: germline. Affected: yes.

NM_003482.4(KMT2D):c.11127C>T (p.Leu3709=)

Gene: KMT2D (lysine methyltransferase 2D; minus strand). Cytogenetic location: 12q13.12.
Variant type: single nucleotide variant.
Coding change: c.11127C>T on transcript NM_003482.4 (MANE Select); coding-DNA position 11127, C replaced by T.
Protein change: p.Leu3709=; no amino-acid change (leucine 3709 retained).
Molecular consequence: synonymous variant.
Genome position (GRCh38, 1-based): chr12:49,033,578, G>A on the plus strand (C>T on the coding strand, the complement: KMT2D is on the minus strand). VCF-style: chr12-49033578-G-A. GRCh37 (hg19) VCF-style: chr12-49427361-G-A.
Identifiers: ClinVar variation 1254359 (VCV001254359.11), dbSNP rs780547684, ClinGen allele CA6546362.